The following is an entry in ClinVar:

NM_002185.5(IL7R):c.479T>C (p.Val160Ala)

Gene: IL7R (interleukin 7 receptor; plus strand). Cytogenetic location: 5p13.2.
Variant type: single nucleotide variant.
Coding change: c.479T>C on transcript NM_002185.5 (MANE Select); coding-DNA position 479, T replaced by C.
Protein change: p.Val160Ala; replaces valine 160 with alanine.
Molecular consequence: missense variant. On other transcripts: non-coding transcript variant (1).
Genome position (GRCh38, 1-based): chr5:35,871,155, T>C. VCF-style: chr5-35871155-T-C. GRCh37 (hg19) VCF-style: chr5-35871257-T-C.
Other names: short protein forms V160A.
Identifiers: ClinVar variation 1014790 (VCV001014790.9), dbSNP rs1393735942, ClinGen allele CA359430135.

ClinVar aggregate classification (germline): Uncertain significance (1 of 4 stars; one submission).

Conditions:
Immunodeficiency 104. Also called: Severe Combined Immune Deficiency, Autosomal Recessive, TCell -Negative, B Cell-Positive, NK Cell-Positive, IL7R-Related; IMMUNODEFICIENCY 104, SEVERE COMBINED; SCID, AUTOSOMAL RECESSIVE, T CELL-NEGATIVE, B CELL-POSITIVE, NK CELL-POSITIVE; Severe combined immunodeficiency, autosomal recessive, T cell-negative, B cell-positive, NK cell-positive. Identifiers: MedGen C5676890, MONDO:0012163, OMIM 608971.

Allele frequency attached by ClinVar (database versions not stated): gnomAD exomes below 0.00001.

Submission:

Labcorp Genetics (formerly Invitae), Labcorp
Classification: Uncertain significance for Immunodeficiency 104. Last evaluated: 2020-02-19. Review status: criteria provided, single submitter. Criteria: Invitae Variant Classification Sherloc (09022015). Collection method: clinical testing. Allele origin: germline.
Comment: In summary, the available evidence is currently insufficient to determine the role of this variant in disease. Therefore, it has been classified as a Variant of Uncertain Significance. Algorithms developed to predict the effect of missense changes on protein structure and function output the following: SIFT: "Deleterious"; PolyPhen-2: "Benign"; Align-GVGD: "Class C25". The alanine amino acid residue is found in multiple mammalian species, suggesting that this missense change does not adversely affect protein function. These predictions have not been confirmed by published functional studies and their clinical significance is uncertain. This variant has not been reported in the literature in individuals with IL7R-related conditions. This variant is not present in population databases (ExAC no frequency). This sequence change replaces valine with alanine at codon 160 of the IL7R protein (p.Val160Ala). The valine residue is highly conserved and there is a small physicochemical difference between valine and alanine.